The following is an entry in ClinVar:

NM_001372.4(DNAH9):c.7267G>A (p.Asp2423Asn)

Gene: DNAH9 (dynein axonemal heavy chain 9; plus strand). Cytogenetic location: 17p12.
Variant type: single nucleotide variant.
Coding change: c.7267G>A on transcript NM_001372.4 (MANE Select); coding-DNA position 7267, G replaced by A.
Protein change: p.Asp2423Asn; replaces aspartic acid 2423 with asparagine.
Molecular consequence: missense variant.
Genome position (GRCh38, 1-based): chr17:11,768,549, G>A. VCF-style: chr17-11768549-G-A. GRCh37 (hg19) VCF-style: chr17-11671866-G-A.
Other names: short protein forms D2423N.
Identifiers: ClinVar variation 1481524 (VCV001481524.7), dbSNP rs757516746, ClinGen allele CA287986133.

ClinVar aggregate classification (germline): Uncertain significance. Review status: criteria provided, multiple submitters, no conflicts (2 of 4 stars). 3 submissions from 3 submitters: Uncertain significance (3). Last evaluated 2024-01-23.

Conditions:
Inborn genetic diseases. Identifiers: MedGen C0950123, MeSH D030342.
Ciliary dyskinesia, primary, 40. Also called: CILIARY DYSKINESIA, PRIMARY, 40, WITH OR WITHOUT SITUS INVERSUS. Identifiers: MedGen C4749028, MONDO:0032664, OMIM 618300.

Allele frequency attached by ClinVar (database versions not stated): gnomAD exomes 0.00001; gnomAD 0.00004; TOPMed 0.00011.
gnomAD v4.1: 24 of 1,613,902 alleles (0.0015%); highest among the groups gnomAD compares: Admixed American, 0.01%; no homozygotes.

Submissions (3):

Ambry Genetics
Classification: Uncertain significance for Inborn genetic diseases. Last evaluated: 2024-01-23. Review status: criteria provided, single submitter. Criteria: Ambry Variant Classification Scheme 2023. Collection method: clinical testing. Allele origin: germline.

Victorian Clinical Genetics Services, Murdoch Childrens Research Institute
Classification: Uncertain significance for Ciliary dyskinesia, primary, 40. Last evaluated: 2022-02-02. Review status: criteria provided, single submitter. Criteria: ACMG Guidelines, 2015. Collection method: clinical testing. Allele origin: germline. Inheritance: Autosomal recessive inheritance. Affected: yes.
Comment: Based on the classification scheme VCGS_Germline_v1.3.4, this variant is classified as VUS-3B. Following criteria are met: 0102 - Loss of function is a known mechanism of disease in this gene and is associated with primary ciliary dyskinesia, 40 (MIM#618300). (I) 0106 - This gene is associated with autosomal recessive disease. (I) 0200 - Variant is predicted to result in a missense amino acid change from aspartic acid to asparagine. (I) 0251 - This variant is heterozygous. (I) 0304 - Variant is present in gnomAD <0.01 for a recessive condition (v3: 6 heterozygotes, 0 homozygotes). (SP) 0503 - Missense variant consistently predicted to be tolerated by multiple in silico tools or not conserved in placental mammals with a minor amino acid change. (SB) 0600 - Variant is located in the annotated dynein heavy chain AAA lid domain (DECIPHER). (I) 0705 - No comparable missense variants have previous evidence for pathogenicity. (I) 0807 - This variant has no previous evidence of pathogenicity. (I) 0905 - No published segregation evidence has been identified for this variant. (I) 1007 - No published functional evidence has been identified for this variant. (I) 1208 - Inheritance information for this variant is not currently available in this individual. (I) Legend: (SP) - Supporting pathogenic, (I) - Information, (SB) - Supporting benign

Labcorp Genetics (formerly Invitae), Labcorp
Classification: Uncertain significance. Last evaluated: 2021-09-18. Review status: criteria provided, single submitter. Criteria: Invitae Variant Classification Sherloc (09022015). Collection method: clinical testing. Allele origin: germline.
Comment: This sequence change replaces aspartic acid with asparagine at codon 2423 of the DNAH9 protein (p.Asp2423Asn). The aspartic acid residue is moderately conserved and there is a small physicochemical difference between aspartic acid and asparagine. This variant is not present in population databases (ExAC no frequency). This variant has not been reported in the literature in individuals affected with DNAH9-related conditions. Algorithms developed to predict the effect of missense changes on protein structure and function (SIFT, PolyPhen-2, Align-GVGD) all suggest that this variant is likely to be tolerated. In summary, the available evidence is currently insufficient to determine the role of this variant in disease. Therefore, it has been classified as a Variant of Uncertain Significance.